The following is an entry in ClinVar:

NM_000400.4(ERCC2):c.184-6_200del

Gene: ERCC2 (ERCC excision repair 2, TFIIH core complex helicase subunit; minus strand). Cytogenetic location: 19q13.32.
Variant type: Deletion.
Coding change: c.184-6_200del on transcript NM_000400.4 (MANE Select); 6 bases into the intron before coding-DNA position 184 through coding-DNA position 200, 23 bases deleted (CGGCAGGCATATCCGCTGGAGGT).
Molecular consequence: splice acceptor variant.
Genome position (GRCh38, 1-based): chr19:45,368,976-45,368,998, ACCTCCAGCGGATATGCCTGCCG deleted on the plus strand (CGGCAGGCATATCCGCTGGAGGT on the coding strand, the reverse complement: ERCC2 is on the minus strand); deleting any 23 consecutive bases within chr19:45,368,976-45,368,999 gives the same sequence; the c. name uses the placement nearest the transcript's 3' end. VCF-style (leftmost placement, unchanged base first): chr19-45368975-CACCTCCAGCGGATATGCCTGCCG-C. GRCh37 (hg19) VCF-style: chr19-45872233-CACCTCCAGCGGATATGCCTGCCG-C.
Other names: c.112-6_128del (NM_001130867.2).
Identifiers: ClinVar variation 2697221 (VCV002697221.3), dbSNP rs2514045021, ClinGen allele CA2697556632.

ClinVar aggregate classification (germline): Likely pathogenic (1 of 4 stars; one submission).

Submission:

Labcorp Genetics (formerly Invitae), Labcorp
Classification: Likely pathogenic. Last evaluated: 2023-11-18. Review status: criteria provided, single submitter. Criteria: Invitae Variant Classification Sherloc (09022015). Collection method: clinical testing. Allele origin: germline.
Comment: This variant results in the deletion of part of exon 4 (c.184-6_200del) of the ERCC2 gene. It is expected to disrupt RNA splicing. Variants that disrupt the donor or acceptor splice site typically lead to a loss of protein function (PMID: 16199547), and loss-of-function variants in ERCC2 are known to be pathogenic (PMID: 9238033, 11335038, 19085937, 19934020). This variant is not present in population databases (gnomAD no frequency). This variant has not been reported in the literature in individuals affected with ERCC2-related conditions. In summary, the currently available evidence indicates that the variant is pathogenic, but additional data are needed to prove that conclusively. Therefore, this variant has been classified as Likely Pathogenic.

Literature cited by the submitters: PubMed 16199547; PubMed 9238033; PubMed 11335038; PubMed 19085937; PubMed 19934020.